The following is an entry in ClinVar:

ClinVar aggregate classification (germline): Likely pathogenic (1 of 4 stars; one submission).

Conditions:
Microcephaly with or without chorioretinopathy, lymphedema, or impaired intellectual development. Also called: Microcephaly with or without chorioretinopathy, lymphedema, or intellectual disability; Microcephaly lymphedema chorioretinal dysplasia; MICROCEPHALY AND CHORIORETINOPATHY WITH OR WITHOUT MENTAL RETARDATION, AUTOSOMAL DOMINANT; MICROCEPHALY, LYMPHEDEMA, CHORIORETINAL DYSPLASIA SYNDROME; Microcephaly with or without chorioretinopathy, lymphedema, or mental retardation. Identifiers: Orphanet 2526, MedGen C1835265, MONDO:0007918, OMIM 152950.

Submission:

3billion
Classification: Likely pathogenic for Microcephaly with or without chorioretinopathy, lymphedema, or impaired intellectual development. Last evaluated: 2021-10-02. Review status: criteria provided, single submitter. Criteria: ACMG Guidelines, 2015. Collection method: clinical testing. Allele origin: germline. Affected: yes. Observed: 1 heterozygote.
Comment: The variant was observed as assumed (i.e. paternity and maternity not confirmed) de novoo (3billion dataset, PM6). It is not observed in the gnomAD v2.1.1 dataset (PM2). In silico tool predictions suggest damaging effect of the variant on gene or gene product (REVEL: 0.699, PP3). Patient is considered compatible with Microcephaly with or without chorioretinopathy, lymphedema, or mental retardation (PP4_P). Therefore, this variant is classified as likely pathogenic according to the recommendation of ACMG/AMP guideline.

NM_004523.4(KIF11):c.422A>T (p.His141Leu)

Gene: KIF11 (kinesin family member 11; plus strand). Cytogenetic location: 10q23.33.
Variant type: single nucleotide variant.
Coding change: c.422A>T on transcript NM_004523.4 (MANE Select); coding-DNA position 422, A replaced by T.
Protein change: p.His141Leu; replaces histidine 141 with leucine.
Molecular consequence: missense variant.
Genome position (GRCh38, 1-based): chr10:92,609,054, A>T. VCF-style: chr10-92609054-A-T. GRCh37 (hg19) VCF-style: chr10-94368811-A-T.
Other names: short protein forms H141L.
Identifiers: ClinVar variation 1320107 (VCV001320107.1), dbSNP rs1844462612, ClinGen allele CA377589291.